The following is an entry in ClinVar:

ClinVar aggregate classification (germline): Pathogenic/Likely pathogenic. Review status: criteria provided, multiple submitters, no conflicts (2 of 4 stars). 6 submissions from 6 submitters: Pathogenic (5); Likely pathogenic (1). Last evaluated 2024-12-05.

Conditions:
Hereditary cancer-predisposing syndrome. Also called: Neoplastic Syndromes, Hereditary; Hereditary Cancer Syndrome; Tumor predisposition; Hereditary neoplastic syndrome. Identifiers: Orphanet 140162, MedGen C0027672, MeSH D009386, MONDO:0015356.
Familial cancer of breast. Also called: Hereditary breast cancer; BREAST CANCER, FAMILIAL; hereditary breast carcinoma. Identifiers: Orphanet 227535, MedGen C0346153, MONDO:0016419, OMIM 114480. Disease mechanism: loss of function.
Ataxia-telangiectasia syndrome (AT). Also called: LOUIS-BAR SYNDROME; Cerebello-oculocutaneous telangiectasia; Immunodeficiency with ataxia telangiectasia; Ataxia-telangiectasia, complementation group D; AT, COMPLEMENTATION GROUP C; Ataxia-telangiectasia, complementation group E. Identifiers: Orphanet 100, MedGen C0004135, MONDO:0008840, OMIM 208900.

Allele frequency attached by ClinVar (database versions not stated): gnomAD exomes below 0.00001.

Submissions (6):

Natera, Inc.
Classification: Pathogenic for Ataxia-telangiectasia. Last evaluated: 2024-12-05. Review status: criteria provided, single submitter. Criteria: Natera Variant Classification Schema (03/2026). Collection method: clinical testing. Allele origin: germline.
Comment: The c.8103_8104del variant in ATM is a frameshift variant predicted to shift the reading frame beginning at codon 2702 and leads to a stop codon 15 codons downstream. This variant is expected to result in nonsense mediated decay, truncation, or a dysfunctional protein product. This variant is rare in the general population with a frequency below the threshold expected for the associated phenotype(s). This variant has been observed in one or more individuals affected with the associated recessive disease, as either homozygous or compound heterozygous with a second variant (PMID: 12815592). Given the available evidence, this variant is classified as Pathogenic.

Labcorp Genetics (formerly Invitae), Labcorp
Classification: Pathogenic for Ataxia-telangiectasia syndrome. Last evaluated: 2024-04-29. Review status: criteria provided, single submitter. Criteria: Invitae Variant Classification Sherloc (09022015). Collection method: clinical testing. Allele origin: germline.
Comment: This sequence change creates a premature translational stop signal (p.Ile2702Argfs*15) in the ATM gene. It is expected to result in an absent or disrupted protein product. Loss-of-function variants in ATM are known to be pathogenic (PMID: 23807571, 25614872). This variant is not present in population databases (gnomAD no frequency). This premature translational stop signal has been observed in individual(s) with ataxia-telangiectasia (PMID: 12673797). ClinVar contains an entry for this variant (Variation ID: 418746). For these reasons, this variant has been classified as Pathogenic.

Myriad Genetics, Inc.
Classification: Pathogenic for Familial cancer of breast. Last evaluated: 2024-02-01. Review status: criteria provided, single submitter. Criteria: Myriad Autosomal Dominant, Autosomal Recessive and X-Linked Classification Criteria (2023). Collection method: clinical testing. Allele origin: unknown.
Comment: This variant is considered pathogenic. This variant creates a frameshift predicted to result in premature protein truncation.

Ambry Genetics
Classification: Pathogenic for Hereditary cancer-predisposing syndrome. Last evaluated: 2023-04-17. Review status: criteria provided, single submitter. Criteria: Ambry Variant Classification Scheme 2023. Collection method: clinical testing. Allele origin: germline.
Comment: The c.8103_8104delAA pathogenic mutation, located in coding exon 54 of the ATM gene, results from a deletion of two nucleotides at nucleotide positions 8103 to 8104, causing a translational frameshift with a predicted alternate stop codon (p.I2702Rfs*15). This alteration was identified in trans with a different pathogenic ATM alteration in 1 of 55 unrelated Iberian ataxia-telangiectasia (A-T) families (Mitui M et al. Hum Mutat, 2003 Jul;22:43-50). This variant is considered to be rare based on population cohorts in the Genome Aggregation Database (gnomAD). In addition to the clinical data presented in the literature, this alteration is expected to result in loss of function by premature protein truncation or nonsense-mediated mRNA decay. As such, this alteration is interpreted as a disease-causing mutation.

Women's Health and Genetics/Laboratory Corporation of America, LabCorp
Classification: Likely pathogenic for Ataxia-telangiectasia syndrome. Last evaluated: 2019-05-03. Review status: criteria provided, single submitter. Criteria: LabCorp Variant Classification Summary - May 2015. Collection method: clinical testing. Allele origin: germline.
Comment: Variant summary: ATM c.8103_8104delAA (p.Ile2702ArgfsX15) results in a premature termination codon, predicted to cause a truncation of the encoded protein or absence of the protein due to nonsense mediated decay, which are commonly known mechanisms for disease. Truncations downstream of this position have been classified as pathogenic by our laboratory (eg. c.8264_8268delATAAG (p.Tyr2755fsX12), c.8833_8834delCT (p.Leu2945fsX10)). The variant was absent in 251324 control chromosomes (gnomAD). c.8103_8104delAA has been reported in the literature in an individual affected with Ataxia-Telangiectasia (Bernstein_2003). These data indicate that the variant may be associated with disease. To our knowledge, no experimental evidence demonstrating an impact on protein function has been reported. One submitter has provided clinical-significance assessment for this variant to ClinVar after 2014 without evidence for independent evaluation and classified the variant as pathogenic. Based on the evidence outlined above, the variant was classified as likely pathogenic.

GeneDx
Classification: Pathogenic. Last evaluated: 2015-03-24. Review status: criteria provided, single submitter. Criteria: GeneDx Variant Classification (06012015). Collection method: clinical testing. Allele origin: germline. Affected: yes.
Comment: This deletion of 2 nucleotides in ATM is denoted c.8103_8104delAA at the cDNA level and p.Ile2702ArgfsX15 (I2702RfsX15) at the protein level. The normal sequence, with the bases that are deleted in braces, is AAAT[AA]TAGA. The deletion causes a frameshift, which changes an Isoleucine to an Arginine at codon 2702, and creates a premature stop codon at position 15 of the new reading frame. This variant is predicted to cause loss of normal protein function through either protein truncation or nonsense-mediated mRNA decay. ATM c.8103_8104delAA, previously reported as 8103delAA, has been observed in the compound heterozygous state in individuals with Ataxia-Telangiectasia (Bernstein 2003, Mitui 2003). we consider this variant to be pathogenic.The presence of

Literature cited by the submitters: PubMed 12815592 (cited by Natera, Inc. and Ambry Genetics); PubMed 23807571 (cited by Labcorp Genetics (formerly Invitae), Labcorp); PubMed 25614872 (cited by Labcorp Genetics (formerly Invitae), Labcorp); PubMed 12673797 (cited by Labcorp Genetics (formerly Invitae), Labcorp and Women's Health and Genetics/Laboratory Corporation of America, LabCorp); PubMed 21445571 (cited by Women's Health and Genetics/Laboratory Corporation of America, LabCorp).

NM_000051.4(ATM):c.8103_8104del (p.Ile2702fs)

Genes: ATM (ATM serine/threonine kinase; plus strand), C11orf65 (chromosome 11 open reading frame 65; minus strand). Cytogenetic location: 11q22.3.
Variant type: Deletion.
Coding change: c.8103_8104del on transcript NM_000051.4 (MANE Select); coding-DNA positions 8103 to 8104, 2 bases deleted (AA; older notation c.8103_8104delAA).
Protein change: p.Ile2702fs; shifts the reading frame from isoleucine 2702.
Molecular consequence: frameshift variant. On other transcripts: intron variant (2).
Genome position (GRCh38, 1-based): chr11:108,335,061-108,335,062, AA deleted. VCF-style (leftmost placement, unchanged base first): chr11-108335060-TAA-T. GRCh37 (hg19) VCF-style: chr11-108205787-TAA-T.
Other names: c.8103_8104delAA, p.Ile2702Argfs (NM_000051.3); c.8103_8104del, p.Ile2702fs (NM_001351834.2); c.641-25991_641-25990del (NM_001330368.2); c.*38+158_*38+159del (NM_001351110.2); short protein forms I2702fs.
Identifiers: ClinVar variation 418746 (VCV000418746.11), dbSNP rs1064793406, ClinGen allele CA16619246.